The following is an entry in ClinVar:

NM_000038.6(APC):c.3512G>T (p.Arg1171Leu)

Gene: APC (APC regulator of Wnt signaling pathway; plus strand). Cytogenetic location: 5q22.2.
Variant type: single nucleotide variant.
Coding change: c.3512G>T on transcript NM_000038.6 (MANE Select); coding-DNA position 3512, G replaced by T.
Protein change: p.Arg1171Leu; replaces arginine 1171 with leucine.
Molecular consequence: missense variant.
Genome position (GRCh38, 1-based): chr5:112,839,106, G>T. VCF-style: chr5-112839106-G-T. GRCh37 (hg19) VCF-style: chr5-112174803-G-T.
Other names: c.3512G>T, p.Arg1171Leu (NM_001127510.3, NM_001354895.2, NM_001407450.1); c.3458G>T, p.Arg1153Leu (NM_001127511.3); c.3566G>T, p.Arg1189Leu (NM_001354896.2, NM_001407447.1, NM_001407448.1 and 1 more transcripts); c.3542G>T, p.Arg1181Leu (NM_001354897.2); c.3437G>T, p.Arg1146Leu (NM_001354898.2); c.3428G>T, p.Arg1143Leu (NM_001354899.2); c.3389G>T, p.Arg1130Leu (NM_001354900.2); c.3335G>T, p.Arg1112Leu (NM_001354901.2, NM_001407453.1); and 11 more; short protein forms R1011L, R1042L, R1045L, R1153L, R1161L, R1130L, R1164L, R1189L.
Identifiers: ClinVar variation 1732174 (VCV001732174.4), dbSNP rs372481703, ClinGen allele CA16029048.

ClinVar aggregate classification (germline): Uncertain significance. Review status: criteria provided, multiple submitters, no conflicts (2 of 4 stars). 2 submissions from 2 submitters: Uncertain significance (2). Last evaluated 2024-11-15.

Conditions:
Hereditary cancer-predisposing syndrome. Also called: Neoplastic Syndromes, Hereditary; Tumor predisposition; Hereditary Cancer Syndrome; Hereditary neoplastic syndrome. Identifiers: Orphanet 140162, MedGen C0027672, MeSH D009386, MONDO:0015356.
Familial adenomatous polyposis 1 (FAP1). Also called: FAMILIAL ADENOMATOUS POLYPOSIS 1, ATTENUATED; POLYPOSIS, ADENOMATOUS INTESTINAL. Identifiers: MedGen C2713442, MONDO:0021056, OMIM 175100. Disease mechanism: loss of function.

gnomAD v4.1: 1 of 1,614,030 alleles (0.000062%); highest among the groups gnomAD compares: African/African-American, 0.0013%; no homozygotes.

Submissions (2):

Labcorp Genetics (formerly Invitae), Labcorp
Classification: Uncertain significance for Familial adenomatous polyposis 1. Last evaluated: 2024-11-15. Review status: criteria provided, single submitter. Criteria: Invitae Variant Classification Sherloc (09022015). Collection method: clinical testing. Allele origin: germline.
Comment: This sequence change replaces arginine, which is basic and polar, with leucine, which is neutral and non-polar, at codon 1171 of the APC protein (p.Arg1171Leu). This variant is not present in population databases (gnomAD no frequency). This variant has not been reported in the literature in individuals affected with APC-related conditions. ClinVar contains an entry for this variant (Variation ID: 1732174). Invitae Evidence Modeling of protein sequence and biophysical properties (such as structural, functional, and spatial information, amino acid conservation, physicochemical variation, residue mobility, and thermodynamic stability) indicates that this missense variant is not expected to disrupt APC protein function with a negative predictive value of 95%. In summary, the available evidence is currently insufficient to determine the role of this variant in disease. Therefore, it has been classified as a Variant of Uncertain Significance.

Ambry Genetics
Classification: Uncertain significance for Hereditary cancer-predisposing syndrome. Last evaluated: 2020-06-23. Review status: criteria provided, single submitter. Criteria: Ambry Variant Classification Scheme 2023. Collection method: clinical testing. Allele origin: germline.
Comment: The p.R1171L variant (also known as c.3512G>T), located in coding exon 15 of the APC gene, results from a G to T substitution at nucleotide position 3512. The arginine at codon 1171 is replaced by leucine, an amino acid with dissimilar properties. This amino acid position is well conserved in available vertebrate species. In addition, in silico predictors for this gene do not accurately predict pathogenicity. Since supporting evidence is limited at this time, the clinical significance of this alteration remains unclear.